The following is an entry in ClinVar:

NM_001365276.2(TNXB):c.1473C>T (p.Asp491=)

Gene: TNXB (tenascin XB; minus strand). Cytogenetic location: 6p21.33.
Variant type: single nucleotide variant.
Coding change: c.1473C>T on transcript NM_001365276.2 (MANE Select); coding-DNA position 1473, C replaced by T.
Protein change: p.Asp491=; no amino-acid change (aspartic acid 491 retained).
Molecular consequence: synonymous variant.
Genome position (GRCh38, 1-based): chr6:32,096,380, G>A on the plus strand (C>T on the coding strand, the complement: TNXB is on the minus strand). VCF-style: chr6-32096380-G-A. GRCh37 (hg19) VCF-style: chr6-32064157-G-A.
Other names: p.Asp491=; c.1473C>T, p.Asp491= (NM_019105.8).
Identifiers: ClinVar variation 1187947 (VCV001187947.7), dbSNP rs776095619, ClinGen allele CA3735673.

ClinVar aggregate classification (germline): Likely benign. Review status: criteria provided, multiple submitters, no conflicts (2 of 4 stars). 5 submissions from 5 submitters: Likely benign (5). Last evaluated 2026-03-09.

Conditions:
Cardiovascular phenotype. Identifiers: MedGen CN230736.

Allele frequency attached by ClinVar (database versions not stated): gnomAD exomes 0.00007; ExAC 0.00009; gnomAD 0.00014 and 0.00015.
gnomAD v4.1: 378 of 1,562,830 alleles (0.024%); highest among the groups gnomAD compares: Non-Finnish European, 0.031%; no homozygotes.

Submissions (5):

Women's Health and Genetics/Laboratory Corporation of America, LabCorp
Classification: Likely benign. Last evaluated: 2026-03-09. Review status: criteria provided, single submitter. Criteria: LabCorp Variant Classification Summary - May 2015. Collection method: clinical testing. Allele origin: germline.

Labcorp Genetics (formerly Invitae), Labcorp
Classification: Likely benign. Last evaluated: 2026-01-26. Review status: criteria provided, single submitter. Criteria: Invitae Variant Classification Sherloc (09022015). Collection method: clinical testing. Allele origin: germline.

Mayo Clinic Laboratories, Mayo Clinic
Classification: Likely benign. Last evaluated: 2025-09-07. Review status: criteria provided, single submitter. Criteria: ACMG Guidelines, 2015. Collection method: clinical testing. Allele origin: germline. Observed: 2 variant alleles.
Comment: BP4, BP7

Ambry Genetics
Classification: Likely benign for Cardiovascular phenotype. Last evaluated: 2019-09-19. Review status: criteria provided, single submitter. Criteria: Ambry Variant Classification Scheme 2023. Collection method: clinical testing. Allele origin: germline.

GeneDx
Classification: Likely benign. Last evaluated: 2019-05-08. Review status: criteria provided, single submitter. Criteria: GeneDx Variant Classification Process June 2021. Collection method: clinical testing. Allele origin: germline. Affected: yes.